The following is an entry in ClinVar:

NM_207117.4(SLC25A47):c.56C>T (p.Pro19Leu)

Gene: SLC25A47 (solute carrier family 25 member 47; plus strand). Cytogenetic location: 14q32.2.
Variant type: single nucleotide variant.
Coding change: c.56C>T on transcript NM_207117.4 (MANE Select); coding-DNA position 56, C replaced by T.
Protein change: p.Pro19Leu; replaces proline 19 with leucine.
Molecular consequence: missense variant. On other transcripts: 5 prime UTR variant (1).
Genome position (GRCh38, 1-based): chr14:100,325,815, C>T. VCF-style: chr14-100325815-C-T. GRCh37 (hg19) VCF-style: chr14-100792152-C-T.
Other names: c.-444C>T (NM_001350877.2); short protein forms P19L.
Identifiers: ClinVar variation 161859 (VCV000161859.2), dbSNP rs193920797, ClinGen allele CA174922.

ClinVar aggregate classification (germline): Uncertain significance (0 of 4 stars; one submission).

Conditions:
Prostate cancer. Also called: Malignant tumor of prostate. Identifiers: Orphanet 1331, MedGen C0376358, MONDO:0008315, HP:0012125.

Allele frequency attached by ClinVar (database versions not stated): gnomAD exomes below 0.00001; ExAC 0.00001; gnomAD 0.00001; 1000 Genomes Project 0.00020; 1000 Genomes Project 30x 0.00031.

Submission:

Science for Life laboratory,  Karolinska Institutet
Classification: Uncertain significance for Malignant tumor of prostate. Review status: no assertion criteria provided. Collection method: not provided. Allele origin: somatic.
Comment: TumorID:SWE-11
ClinVar note: Converted during submission from Unknown to Uncertain significance.